The following is an entry in ClinVar:

NM_005458.8(GABBR2):c.54GCC[3] (p.Pro20dup)

Gene: GABBR2 (gamma-aminobutyric acid type B receptor subunit 2; minus strand). Cytogenetic location: 9q22.33.
Variant type: Microsatellite.
Coding change: c.54GCC[3] on transcript NM_005458.8 (MANE Select); three copies in a row of the 3-base unit GCC starting at c.54; the reference has two copies in a row; one copy, 3 bases duplicated.
Protein change: p.Pro20dup; duplicates proline 20.
Molecular consequence: inframe insertion.
Genome position (GRCh38, 1-based): chr9:98,708,679-98,708,681, GGC duplicated on the plus strand (GCC on the coding strand, the reverse complement: GABBR2 is on the minus strand); duplicating any 3 consecutive bases within chr9:98,708,679-98,708,686 gives the same sequence; the position shown is the placement nearest the transcript's 3' end. VCF-style (leftmost placement, unchanged base first): chr9-98708678-G-GGGC. GRCh37 (hg19) VCF-style: chr9-101470960-G-GGGC.
Identifiers: ClinVar variation 1063012 (VCV001063012.9), dbSNP rs2131893192, ClinGen allele CA2580616256.

ClinVar aggregate classification (germline): Uncertain significance (1 of 4 stars; one submission).

Conditions:
Epileptic encephalopathy. Identifiers: MedGen C0543888, HP:0200134.

Submission:

Labcorp Genetics (formerly Invitae), Labcorp
Classification: Uncertain significance for Epileptic encephalopathy. Last evaluated: 2022-08-16. Review status: criteria provided, single submitter. Criteria: Invitae Variant Classification Sherloc (09022015). Collection method: clinical testing. Allele origin: germline.
Comment: In summary, the available evidence is currently insufficient to determine the role of this variant in disease. Therefore, it has been classified as a Variant of Uncertain Significance. Experimental studies and prediction algorithms are not available or were not evaluated, and the functional significance of this variant is currently unknown. This variant, c.57_59dup, results in the insertion of 1 amino acid(s) of the GABBR2 protein (p.Pro20dup), but otherwise preserves the integrity of the reading frame. This variant has not been reported in the literature in individuals affected with GABBR2-related conditions. The frequency data for this variant in the population databases is considered unreliable, as metrics indicate insufficient coverage at this position in the gnomAD database.